The following is an entry in ClinVar:

NM_153240.5(NPHP3):c.3697-3A>G

Genes: NPHP3 (nephrocystin 3; minus strand), NPHP3-ACAD11 (NPHP3-ACAD11 readthrough (NMD candidate); minus strand). Cytogenetic location: 3q22.1.
Variant type: single nucleotide variant.
Coding change: c.3697-3A>G on transcript NM_153240.5 (MANE Select); 3 bases into the intron before coding-DNA position 3697, A replaced by G.
Molecular consequence: intron variant.
Genome position (GRCh38, 1-based): chr3:132,682,821, T>C on the plus strand (A>G on the coding strand, the complement: NPHP3 is on the minus strand). VCF-style: chr3-132682821-T-C. GRCh37 (hg19) VCF-style: chr3-132401665-T-C.
Identifiers: ClinVar variation 1461058 (VCV001461058.6), dbSNP rs2107961442, ClinGen allele CA2573136638.

ClinVar aggregate classification (germline): Uncertain significance (1 of 4 stars; one submission).

Conditions:
Nephronophthisis. Also called: Juvenile Nephronophthisis. Identifiers: Orphanet 655, MedGen C0687120, MONDO:0019005, HP:0000090.

Allele frequency attached by ClinVar (database versions not stated): gnomAD exomes below 0.00001.
gnomAD v4.1: 1 of 1,576,136 alleles (0.000063%); highest among the groups gnomAD compares: Non-Finnish European, 0.000087%; no homozygotes.

Submission:

Labcorp Genetics (formerly Invitae), Labcorp
Classification: Uncertain significance for Nephronophthisis. Last evaluated: 2022-07-19. Review status: criteria provided, single submitter. Criteria: Invitae Variant Classification Sherloc (09022015). Collection method: clinical testing. Allele origin: germline.
Comment: In summary, the available evidence is currently insufficient to determine the role of this variant in disease. Therefore, it has been classified as a Variant of Uncertain Significance. Variants that disrupt the consensus splice site are a relatively common cause of aberrant splicing (PMID: 17576681, 9536098). Algorithms developed to predict the effect of sequence changes on RNA splicing suggest that this variant may disrupt the consensus splice site. ClinVar contains an entry for this variant (Variation ID: 1461058). This variant has not been reported in the literature in individuals affected with NPHP3-related conditions. This variant is not present in population databases (gnomAD no frequency). This sequence change falls in intron 25 of the NPHP3 gene. It does not directly change the encoded amino acid sequence of the NPHP3 protein. It affects a nucleotide within the consensus splice site.

Literature cited by the submitters: PubMed 17576681; PubMed 9536098.